The following is an entry in ClinVar:

ClinVar aggregate classification (germline): Benign (1 of 4 stars; one submission).

Conditions:
Lynch syndrome 4 (LYNCH4). Also called: Colorectal cancer, hereditary nonpolyposis, type 4; Hereditary non-polyposis colorectal cancer, type 4. Identifiers: Orphanet 144, MedGen C1838333, MONDO:0013699, OMIM 614337. Disease mechanism: loss of function.

Submission:

Myriad Genetics, Inc.
Classification: Benign for Lynch syndrome 4. Last evaluated: 2025-02-03. Review status: criteria provided, single submitter. Criteria: Myriad Autosomal Dominant, Autosomal Recessive and X-Linked Classification Criteria (2023). Collection method: clinical testing. Allele origin: unknown.
Comment: This variant is considered benign. This variant is a silent/synonymous amino acid change and it is not expected to impact splicing.

NM_000535.7(PMS2):c.1968A>G (p.Glu656=)

Gene: PMS2 (PMS1 homolog 2, mismatch repair system component; minus strand). Cytogenetic location: 7p22.1.
Variant type: single nucleotide variant.
Coding change: c.1968A>G on transcript NM_000535.7 (MANE Select); coding-DNA position 1968, A replaced by G.
Protein change: p.Glu656=; no amino-acid change (glutamic acid 656 retained).
Molecular consequence: synonymous variant. On other transcripts: non-coding transcript variant (1), intron variant (1).
Genome position (GRCh38, 1-based): chr7:5,986,797, T>C on the plus strand (A>G on the coding strand, the complement: PMS2 is on the minus strand). VCF-style: chr7-5986797-T-C. GRCh37 (hg19) VCF-style: chr7-6026428-T-C.
Other names: c.1563A>G, p.Glu521= (NM_001322003.2, NM_001322004.2, NM_001322005.2 and 16 more transcripts); c.1812A>G, p.Glu604= (NM_001322006.2, NM_001406870.1); c.1650A>G, p.Glu550= (NM_001322007.2, NM_001322008.2, NM_001406876.1 and 2 more transcripts); c.1407A>G, p.Glu469= (NM_001322010.2, NM_001406906.1, NM_001406907.1); c.1035A>G, p.Glu345= (NM_001322011.2, NM_001322012.2); c.1395A>G, p.Glu465= (NM_001322013.2, NM_001406909.1); c.1968A>G, p.Glu656= (NM_001322014.2, NM_001406871.1, NM_001406872.1); c.1659A>G, p.Glu553= (NM_001322015.2, NM_001406875.1, NM_001406877.1 and 5 more transcripts); and 13 more.
Identifiers: ClinVar variation 3903436 (VCV003903436.1).